The following is an entry in ClinVar:

ClinVar aggregate classification (germline): Pathogenic (1 of 4 stars; one submission).

Submission:

CeGaT Center for Human Genetics Tuebingen
Classification: Pathogenic. Last evaluated: 2024-07-01. Review status: criteria provided, single submitter. Criteria: CeGaT Center For Human Genetics Tuebingen Variant Classification Criteria Version 2. Collection method: clinical testing. Allele origin: germline. Affected: yes. Observed: 3 variant alleles.
Comment: SH3PXD2B: PVS1, PM2, PM3:Supporting

NM_001017995.3(SH3PXD2B):c.591_592dup (p.Gln198fs)

Gene: SH3PXD2B (SH3 and PX domains 2B; minus strand). Cytogenetic location: 5q35.1.
Variant type: Duplication.
Coding change: c.591_592dup on transcript NM_001017995.3 (MANE Select); coding-DNA positions 591 to 592, 2 bases duplicated (GC; older notation c.591_592dupGC).
Protein change: p.Gln198fs; shifts the reading frame from glutamine 198.
Molecular consequence: frameshift variant.
Genome position (GRCh38, 1-based): chr5:172,358,848-172,358,849, GC duplicated on the plus strand (GC on the coding strand, the reverse complement: SH3PXD2B is on the minus strand). VCF-style (leftmost placement, unchanged base first): chr5-172358847-T-TGC. GRCh37 (hg19) VCF-style: chr5-171785851-T-TGC.
Other names: c.591_592dup, p.Gln198fs (NM_001308175.2); short protein forms Q198fs.
Identifiers: ClinVar variation 3257545 (VCV003257545.17).